The following is an entry in ClinVar:

NM_000222.3(KIT):c.1027C>T (p.Pro343Ser)

Gene: KIT (KIT proto-oncogene, receptor tyrosine kinase; plus strand). Cytogenetic location: 4q12.
Variant type: single nucleotide variant.
Coding change: c.1027C>T on transcript NM_000222.3 (MANE Select); coding-DNA position 1027, C replaced by T.
Protein change: p.Pro343Ser; replaces proline 343 with serine.
Molecular consequence: missense variant.
Genome position (GRCh38, 1-based): chr4:54,707,199, C>T. VCF-style: chr4-54707199-C-T. GRCh37 (hg19) VCF-style: chr4-55573365-C-T.
Other names: c.1027C>T, p.Pro343Ser (NM_001093772.2, NM_001385285.1, NM_001385286.1); c.1030C>T, p.Pro344Ser (NM_001385284.1, NM_001385288.1, NM_001385290.1 and 1 more transcripts); short protein forms P343S, P344S.
Identifiers: ClinVar variation 237231 (VCV000237231.16), dbSNP rs878853757, ClinGen allele CA10582256.

ClinVar aggregate classification (germline): Uncertain significance. Review status: criteria provided, multiple submitters, no conflicts (2 of 4 stars). 3 submissions from 3 submitters: Uncertain significance (3). Last evaluated 2025-07-23.

Conditions:
Hereditary cancer-predisposing syndrome. Also called: Neoplastic Syndromes, Hereditary; Hereditary neoplastic syndrome; Hereditary Cancer Syndrome; Tumor predisposition. Identifiers: Orphanet 140162, MedGen C0027672, MeSH D009386, MONDO:0015356.
Gastrointestinal stromal tumor. Also called: Gastrointestinal stromal tumor, somatic; Gastrointestinal stroma tumor. Identifiers: Orphanet 44890, MedGen C0238198, MeSH D046152, MONDO:0011719, OMIM 606764, HP:0100723.

Allele frequency attached by ClinVar (database versions not stated): gnomAD exomes below 0.00001.
gnomAD v4.1: 2 of 1,608,416 alleles (0.00012%); highest among the groups gnomAD compares: Non-Finnish European, 0.00017%; no homozygotes.

Submissions (3):

Labcorp Genetics (formerly Invitae), Labcorp
Classification: Uncertain significance for Gastrointestinal stromal tumor. Last evaluated: 2025-07-23. Review status: criteria provided, single submitter. Criteria: Invitae Variant Classification Sherloc (09022015). Collection method: clinical testing. Allele origin: germline.
Comment: This sequence change replaces proline, which is neutral and non-polar, with serine, which is neutral and polar, at codon 343 of the KIT protein (p.Pro343Ser). This variant is not present in population databases (gnomAD no frequency). This variant has not been reported in the literature in individuals affected with KIT-related conditions. ClinVar contains an entry for this variant (Variation ID: 237231). An algorithm developed to predict the effect of missense changes on protein structure and function (PolyPhen-2) suggests that this variant is likely to be disruptive. In summary, the available evidence is currently insufficient to determine the role of this variant in disease. Therefore, it has been classified as a Variant of Uncertain Significance.

Ambry Genetics
Classification: Uncertain significance for Hereditary cancer-predisposing syndrome. Last evaluated: 2025-06-14. Review status: criteria provided, single submitter. Criteria: Ambry Variant Classification Scheme 2023. Collection method: clinical testing. Allele origin: germline.
Comment: The p.P343S variant (also known as c.1027C>T), located in coding exon 6 of the KIT gene, results from a C to T substitution at nucleotide position 1027. The proline at codon 343 is replaced by serine, an amino acid with similar properties. This amino acid position is highly conserved in available vertebrate species. In addition, the in silico prediction for this alteration is inconclusive. Since supporting evidence is limited at this time, the clinical significance of this alteration remains unclear.

Dasa
Classification: Uncertain significance. Last evaluated: 2025-04-28. Review status: criteria provided, single submitter. Criteria: DASA Assertion Criteria. Collection method: clinical testing. Allele origin: germline.
Comment: NM_000222.3(KIT):c.1027C>T (p.Pro343Ser) is a missense variant that results in the substitution of proline with serine. This variant is rare in population databases. The currently available literature and clinical evidence are not sufficient to establish a definitive association between this variant and the reported condition. Therefore, this variant is classified as a variant of uncertain significance.